The following is an entry in ClinVar:

ClinVar aggregate classification (germline): Uncertain significance. Review status: criteria provided, multiple submitters, no conflicts (2 of 4 stars). 2 submissions from 2 submitters: Uncertain significance (2). Last evaluated 2024-09-16.

Conditions:
Epidermolysis bullosa simplex with nail dystrophy (EBS5D). Identifiers: MedGen C4225309, MONDO:0014661, OMIM 616487.
Epidermolysis bullosa simplex 5C, with pyloric atresia (EBS5C). Also called: PLEC-Related Epidermolysis Bullosa with Pyloric Atresia; Epidermolysis bullosa simplex with pyloric atresia; PLEC1-Related Epidermolysis Bullosa with Pyloric Atresia. Identifiers: Orphanet 158684, MedGen C2677349, MONDO:0012807, OMIM 612138.
Autosomal recessive limb-girdle muscular dystrophy type 2Q (LGMDR17). Also called: MUSCULAR DYSTROPHY, LIMB-GIRDLE, AUTOSOMAL RECESSIVE 17. Identifiers: Orphanet 254361, MedGen C3150989, MONDO:0013390, OMIM 613723.
Epidermolysis bullosa simplex 5B, with muscular dystrophy (EBS5B). Also called: EPIDERMOLYSIS BULLOSA SIMPLEX AND LIMB-GIRDLE MUSCULAR DYSTROPHY; Epidermolysis bullosa simplex with muscular dystrophy. Identifiers: Orphanet 257, MedGen C2931072, MONDO:0009181, OMIM 226670.
Epidermolysis bullosa simplex, Ogna type (EBS5A). Also called: Pidermolysis bullosa simplex 5A, Ogna type; EPIDERMOLYSIS BULLOSA SIMPLEX 5A, OGNA TYPE. Identifiers: Orphanet 79401, MedGen C0432317, MONDO:0007555, OMIM 131950.

Submissions (2):

Labcorp Genetics (formerly Invitae), Labcorp
Classification: Uncertain significance for Autosomal recessive limb-girdle muscular dystrophy type 2Q; Epidermolysis bullosa simplex, Ogna type; Epidermolysis bullosa simplex with nail dystrophy; Epidermolysis bullosa simplex 5C, with pyloric atresia; Epidermolysis bullosa simplex 5B, with muscular dystrophy. Last evaluated: 2024-09-16. Review status: criteria provided, single submitter. Criteria: Invitae Variant Classification Sherloc (09022015). Collection method: clinical testing. Allele origin: germline.
Comment: This variant, c.8593_8595del, results in the deletion of 1 amino acid(s) of the PLEC protein (p.Glu2865del), but otherwise preserves the integrity of the reading frame. This variant is present in population databases (no rsID available, gnomAD 0.01%). This variant has not been reported in the literature in individuals affected with PLEC-related conditions. ClinVar contains an entry for this variant (Variation ID: 282639). Experimental studies and prediction algorithms are not available or were not evaluated, and the functional significance of this variant is currently unknown. In summary, the available evidence is currently insufficient to determine the role of this variant in disease. Therefore, it has been classified as a Variant of Uncertain Significance.

Eurofins Ntd Llc (ga)
Classification: Uncertain significance. Last evaluated: 2018-04-18. Review status: criteria provided, single submitter. Criteria: EGL ClinVar v180209 classification definitions. Collection method: clinical testing. Allele origin: germline. Observed: 2 variant alleles, 2 heterozygotes.

NM_201384.3(PLEC):c.8509GAG[1] (p.Glu2838del)

Gene: PLEC (plectin; minus strand). Cytogenetic location: 8q24.3.
Variant type: Microsatellite.
Coding change: c.8509GAG[1] on transcript NM_201384.3 (MANE Select); one copy of the 3-base unit GAG starting at c.8509; the reference has two copies in a row; one copy, 3 bases deleted.
Protein change: p.Glu2838del; deletes glutamic acid 2838.
Molecular consequence: inframe deletion.
Genome position (GRCh38, 1-based): chr8:143,921,307-143,921,309, CTC deleted on the plus strand (GAG on the coding strand, the reverse complement: PLEC is on the minus strand); deleting any 3 consecutive bases within chr8:143,921,307-143,921,312 gives the same sequence; the position shown is the placement nearest the transcript's 3' end. VCF-style (leftmost placement, unchanged base first): chr8-143921306-TCTC-T. GRCh37 (hg19) VCF-style: chr8-144995474-TCTC-T.
Other names: c.8590GAG[1], p.Glu2865del (NM_000445.5); c.8467GAG[1], p.Glu2824del (NM_201378.4); c.8443GAG[1], p.Glu2816del (NM_201379.3); c.8920GAG[1], p.Glu2975del (NM_201380.4); c.8413GAG[1], p.Glu2806del (NM_201381.3); c.8509GAG[1], p.Glu2838del (NM_201382.4); c.8521GAG[1], p.Glu2842del (NM_201383.3); short protein forms E2824del, E2865del, E2806del, E2842del, E2816del, E2838del, E2975del.
Identifiers: ClinVar variation 282639 (VCV000282639.10), dbSNP rs886044795, ClinGen allele CA10604251.
Genomic context (GRCh38, chr8:143,921,306, plus strand): 5'-GCGTGTTGGGGTCAAAGAAGCCCTTGGTGTCGTCGCTGGGGTCCGCCAGGACGCGGTTCA[TCTC>T]CTCGTCGAAGTAGCCGCGCCGGTAGGCCACGTCCACGGGCACGCGGTGGCTGTGCACGGG-3'